The following is an entry in ClinVar:

NM_000455.5(STK11):c.1226G>C (p.Arg409Pro)

Gene: STK11 (serine/threonine kinase 11; plus strand). Cytogenetic location: 19p13.3.
Variant type: single nucleotide variant.
Coding change: c.1226G>C on transcript NM_000455.5 (MANE Select); coding-DNA position 1226, G replaced by C.
Protein change: p.Arg409Pro; replaces arginine 409 with proline.
Molecular consequence: missense variant.
Genome position (GRCh38, 1-based): chr19:1,226,571, G>C. VCF-style: chr19-1226571-G-C. GRCh37 (hg19) VCF-style: chr19-1226570-G-C.
Other names: short protein forms R409P.
Identifiers: ClinVar variation 858468 (VCV000858468.17), dbSNP rs587782364, ClinGen allele CA402953847.
Genomic context (GRCh38, chr19:1,226,571, plus strand): 5'-CCGTGTGTATGAACGGCACAGAGGCGGCGCAGCTGAGCACCAAATCCAGGGCGGAGGGCC[G>C]GGCCCCCAACCCTGCCCGCAAGGCCTGCTCCGCCAGCAGCAAGATCCGCCGGCTGTCGGC-3'
Protein context (NP_000446.1, residues 399-419): QLSTKSRAEG[Arg409Pro]APNPARKACS

ClinVar aggregate classification (germline): Uncertain significance. Review status: criteria provided, multiple submitters, no conflicts (2 of 4 stars). 5 submissions from 5 submitters: Uncertain significance (5). Last evaluated 2024-11-16.

Conditions:
Peutz-Jeghers syndrome (PJS). Also called: Peutz-Jeghers polyposis; Periorificial lentiginosis syndrome; POLYPOSIS, HAMARTOMATOUS INTESTINAL; POLYPS-AND-SPOTS SYNDROME. Identifiers: Orphanet 2869, MedGen C0031269, MeSH D010580, MONDO:0008280, OMIM 175200.
Hereditary cancer-predisposing syndrome. Also called: Hereditary neoplastic syndrome; Tumor predisposition; Neoplastic Syndromes, Hereditary; Hereditary Cancer Syndrome. Identifiers: Orphanet 140162, MedGen C0027672, MeSH D009386, MONDO:0015356.

Submissions (5):

Labcorp Genetics (formerly Invitae), Labcorp
Classification: Uncertain significance for Peutz-Jeghers syndrome. Last evaluated: 2024-11-16. Review status: criteria provided, single submitter. Criteria: Invitae Variant Classification Sherloc (09022015). Collection method: clinical testing. Allele origin: germline.
Comment: This sequence change replaces arginine, which is basic and polar, with proline, which is neutral and non-polar, at codon 409 of the STK11 protein (p.Arg409Pro). This variant is not present in population databases (gnomAD no frequency). This variant has not been reported in the literature in individuals affected with STK11-related conditions. ClinVar contains an entry for this variant (Variation ID: 858468). Invitae Evidence Modeling of protein sequence and biophysical properties (such as structural, functional, and spatial information, amino acid conservation, physicochemical variation, residue mobility, and thermodynamic stability) indicates that this missense variant is not expected to disrupt STK11 protein function with a negative predictive value of 95%. In summary, the available evidence is currently insufficient to determine the role of this variant in disease. Therefore, it has been classified as a Variant of Uncertain Significance.

Ambry Genetics
Classification: Uncertain significance for Hereditary cancer-predisposing syndrome. Last evaluated: 2023-03-10. Review status: criteria provided, single submitter. Criteria: Ambry Variant Classification Scheme 2023. Collection method: clinical testing. Allele origin: germline.
Comment: The p.R409P variant (also known as c.1226G>C), located in coding exon 9 of the STK11 gene, results from a G to C substitution at nucleotide position 1226. The arginine at codon 409 is replaced by proline, an amino acid with dissimilar properties. This amino acid position is not well conserved in available vertebrate species. In addition, this alteration is predicted to be tolerated by in silico analysis. Since supporting evidence is limited at this time, the clinical significance of this alteration remains unclear.

GeneDx
Classification: Uncertain significance. Last evaluated: 2022-12-03. Review status: criteria provided, single submitter. Criteria: GeneDx Variant Classification Process June 2021. Collection method: clinical testing. Allele origin: germline. Affected: yes.
Comment: Not observed at significant frequency in large population cohorts (gnomAD); In silico analysis supports that this missense variant does not alter protein structure/function; Has not been previously published as pathogenic or benign to our knowledge; This variant is associated with the following publications: (PMID: 28900777)

Genome-Nilou Lab
Classification: Uncertain significance for Peutz-Jeghers syndrome. Last evaluated: 2021-07-15. Review status: criteria provided, single submitter. Criteria: ACMG Guidelines, 2015. Collection method: clinical testing. Allele origin: germline. Affected: no.

Color Diagnostics, LLC DBA Color Health
Classification: Uncertain significance for Hereditary cancer-predisposing syndrome. Last evaluated: 2019-04-04. Review status: criteria provided, single submitter. Criteria: ACMG Guidelines, 2015. Collection method: clinical testing. Allele origin: germline.